The following is an entry in ClinVar:

NM_005337.5(NCKAP1L):c.3280GAG[1] (p.Glu1095del)

Gene: NCKAP1L (NCK associated protein 1 like; plus strand). Cytogenetic location: 12q13.2.
Variant type: Microsatellite.
Coding change: c.3280GAG[1] on transcript NM_005337.5 (MANE Select); one copy of the 3-base unit GAG starting at c.3280; the reference has two copies in a row; one copy, 3 bases deleted.
Protein change: p.Glu1095del; deletes glutamic acid 1095.
Genome position (GRCh38, 1-based): chr12:54,542,584-54,542,586, GAG deleted; deleting any 3 consecutive bases within chr12:54,542,580-54,542,586 gives the same sequence; the position shown is the placement nearest the transcript's 3' end. VCF-style (leftmost placement, unchanged base first): chr12-54542579-TGGA-T. GRCh37 (hg19) VCF-style: chr12-54936363-TGGA-T.
Other names: c.3130GAG[1], p.Glu1045del (NM_001184976.2); short protein forms E1045del, E1095del.
Identifiers: ClinVar variation 4809283 (VCV004809283.1).

ClinVar aggregate classification (germline): Uncertain significance (1 of 4 stars; one submission).

Submission:

Labcorp Genetics (formerly Invitae), Labcorp
Classification: Uncertain significance. Last evaluated: 2025-08-09. Review status: criteria provided, single submitter. Criteria: Invitae Variant Classification Sherloc (09022015). Collection method: clinical testing. Allele origin: germline.
Comment: This variant, c.3283_3285del, results in the deletion of 1 amino acid(s) of the NCKAP1L protein (p.Glu1095del), but otherwise preserves the integrity of the reading frame. This variant is present in population databases (rs761385872, gnomAD 0.0009%). This variant has not been reported in the literature in individuals affected with NCKAP1L-related conditions. Experimental studies and prediction algorithms are not available or were not evaluated, and the functional significance of this variant is currently unknown. In summary, the available evidence is currently insufficient to determine the role of this variant in disease. Therefore, it has been classified as a Variant of Uncertain Significance.